The following is an entry in ClinVar:

ClinVar aggregate classification (germline): Conflicting classifications of pathogenicity. Review status: criteria provided, conflicting classifications (1 of 4 stars). 2 submissions from 2 submitters: Likely pathogenic (1); Uncertain significance (1). Last evaluated 2021-04-29.

Conditions:
Andersen Tawil syndrome (LQT7). Also called: PERIODIC PARALYSIS, POTASSIUM-SENSITIVE CARDIODYSRHYTHMIC TYPE; LONG QT SYNDROME 7; ANDERSEN CARDIODYSRHYTHMIC PERIODIC PARALYSIS; Andersen Syndrome; Potassium-sensitive periodic paralysis, ventricular ectopy, and dysmorphic features. Identifiers: Orphanet 37553, MedGen C1563715, MONDO:0008222, OMIM 170390.
Short QT syndrome type 3. Identifiers: Orphanet 51083, MedGen C1865018, MONDO:0012314, OMIM 609622.

Submissions (2):

GeneDx
Classification: Likely pathogenic. Last evaluated: 2021-04-29. Review status: criteria provided, single submitter. Criteria: GeneDx Variant Classification Process June 2021. Collection method: clinical testing. Allele origin: germline. Affected: yes.
Comment: Reported in a patient with premature ventricular contractions (PVCs), frequent ventricular ectopy, bidirectional VT and ventricular arrhythmia suppression with sinus tachycardia who was previously tested at GeneDx (Van Ert et al., 2017); Reported in ClinVar (ClinVar Variant ID# 190813; Landrum et al., 2016); Not observed in large population cohorts (Lek et al., 2016); In silico analysis supports that this missense variant has a deleterious effect on protein structure/function; This variant is associated with the following publications: (PMID: 31020160, 28491792, 32959505)

Labcorp Genetics (formerly Invitae), Labcorp
Classification: Uncertain significance for Short QT syndrome type 3; Andersen Tawil syndrome. Last evaluated: 2016-07-16. Review status: criteria provided, single submitter. Criteria: Invitae Variant Classification Sherloc (09022015). Collection method: clinical testing. Allele origin: germline.
Comment: This sequence change replaces arginine with leucine at codon 218 of the KCNJ2 protein (p.Arg218Leu). The arginine residue is highly conserved and there is a moderate physicochemical difference between arginine and leucine. This variant is not present in population databases (ExAC no frequency) and has not been reported in the literature in individuals with a KCNJ2-related disease. Algorithms developed to predict the effect of missense changes on protein structure and function (SIFT, PolyPhen-2, Align-GVGD) all suggest that this variant is likely to be disruptive, but these predictions have not been confirmed by published functional studies. A different missense substitution at this codon (p.Arg218Trp) has been determined to be pathogenic (PMID: 11371347, 12909315, 25415519, 14522976, 20647529). This suggests that the arginine residue is critical for KCNJ2 protein function and that other missense substitutions at this position may also be pathogenic. In summary, this variant is a novel missense change with uncertain impact on protein function. It has been classified as a Variant of Uncertain Significance.

Literature cited by the submitters: PubMed 11371347 (cited by Labcorp Genetics (formerly Invitae), Labcorp); PubMed 12909315 (cited by Labcorp Genetics (formerly Invitae), Labcorp); PubMed 25415519 (cited by Labcorp Genetics (formerly Invitae), Labcorp); PubMed 14522976 (cited by Labcorp Genetics (formerly Invitae), Labcorp); PubMed 20647529 (cited by Labcorp Genetics (formerly Invitae), Labcorp).

NM_000891.3(KCNJ2):c.653G>T (p.Arg218Leu)

Gene: KCNJ2 (potassium inwardly rectifying channel subfamily J member 2; plus strand). Cytogenetic location: 17q24.3.
Variant type: single nucleotide variant.
Coding change: c.653G>T on transcript NM_000891.3 (MANE Select); coding-DNA position 653, G replaced by T.
Protein change: p.Arg218Leu; replaces arginine 218 with leucine.
Molecular consequence: missense variant.
Genome position (GRCh38, 1-based): chr17:70,175,692, G>T. VCF-style: chr17-70175692-G-T. GRCh37 (hg19) VCF-style: chr17-68171833-G-T.
Other names: p.R218L:CGG>CTG; short protein forms R218L.
Identifiers: ClinVar variation 190813 (VCV000190813.11), dbSNP rs199473384, ClinGen allele CA302043.
Genomic context (GRCh38, chr17:70,175,692, plus strand): 5'-ATGCCGTGATTGCCATGAGAGACGGCAAGCTGTGTTTGATGTGGCGAGTGGGCAATCTTC[G>T]GAAAAGCCACTTGGTGGAAGCTCATGTTCGAGCACAGCTCCTCAAATCCAGAATTACTTC-3'
Protein context (NP_000882.1, residues 208-228): LCLMWRVGNL[Arg218Leu]KSHLVEAHVR